The following is an entry in ClinVar:

NM_001365999.1(SZT2):c.7321C>T (p.Arg2441Trp)

Gene: SZT2 (SZT2 subunit of KICSTOR complex; plus strand). Cytogenetic location: 1p34.2.
Variant type: single nucleotide variant.
Coding change: c.7321C>T on transcript NM_001365999.1 (MANE Select); coding-DNA position 7321, C replaced by T.
Protein change: p.Arg2441Trp; replaces arginine 2441 with tryptophan.
Molecular consequence: missense variant.
Genome position (GRCh38, 1-based): chr1:43,440,563, C>T. VCF-style: chr1-43440563-C-T. GRCh37 (hg19) VCF-style: chr1-43906234-C-T.
Other names: c.7150C>T, p.Arg2384Trp (NM_015284.4); short protein forms R2384W, R2441W.
Identifiers: ClinVar variation 1493875 (VCV001493875.6), dbSNP rs1029712355, ClinGen allele CA21645855.

ClinVar aggregate classification (germline): Uncertain significance (1 of 4 stars; one submission).

Allele frequency attached by ClinVar (database versions not stated): gnomAD exomes below 0.00001; TOPMed below 0.00001.
gnomAD v4.1: 1 of 1,602,980 alleles (0.000062%); highest among the groups gnomAD compares: Non-Finnish European, 0.000085%; no homozygotes.

Submission:

Labcorp Genetics (formerly Invitae), Labcorp
Classification: Uncertain significance. Last evaluated: 2021-12-02. Review status: criteria provided, single submitter. Criteria: Invitae Variant Classification Sherloc (09022015). Collection method: clinical testing. Allele origin: germline.
Comment: In summary, the available evidence is currently insufficient to determine the role of this variant in disease. Therefore, it has been classified as a Variant of Uncertain Significance. Algorithms developed to predict the effect of missense changes on protein structure and function are either unavailable or do not agree on the potential impact of this missense change (SIFT: "Deleterious"; PolyPhen-2: "Probably Damaging"; Align-GVGD: "Class C15"). This variant has not been reported in the literature in individuals affected with SZT2-related conditions. The frequency data for this variant in the population databases is considered unreliable, as metrics indicate poor data quality at this position in the gnomAD database. This sequence change replaces arginine, which is basic and polar, with tryptophan, which is neutral and slightly polar, at codon 2384 of the SZT2 protein (p.Arg2384Trp).